The following is an entry in ClinVar:

ClinVar aggregate classification (germline): Uncertain significance (1 of 4 stars; one submission).

Conditions:
Inborn genetic diseases. Identifiers: MedGen C0950123, MeSH D030342.

gnomAD v4.1: 1 of 1,614,134 alleles (0.000062%); highest among the groups gnomAD compares: Non-Finnish European, 0.000085%; no homozygotes.

Submission:

Ambry Genetics
Classification: Uncertain significance for Inborn genetic diseases. Last evaluated: 2025-01-06. Review status: criteria provided, single submitter. Criteria: Ambry Variant Classification Scheme 2023. Collection method: clinical testing. Allele origin: germline.
Comment: The p.D544N variant (also known as c.1630G>A), located in coding exon 12 of the ASXL1 gene, results from a G to A substitution at nucleotide position 1630. The aspartic acid at codon 544 is replaced by asparagine, an amino acid with highly similar properties. This amino acid position is conserved. In addition, this alteration is predicted to be tolerated by in silico analysis. Based on the available evidence, the clinical significance of this variant remains unclear.

NM_015338.6(ASXL1):c.1630G>A (p.Asp544Asn)

Gene: ASXL1 (ASXL transcriptional regulator 1; plus strand). Cytogenetic location: 20q11.21.
Variant type: single nucleotide variant.
Coding change: c.1630G>A on transcript NM_015338.6 (MANE Select); coding-DNA position 1630, G replaced by A.
Protein change: p.Asp544Asn; replaces aspartic acid 544 with asparagine.
Molecular consequence: missense variant.
Genome position (GRCh38, 1-based): chr20:32,433,828, G>A. VCF-style: chr20-32433828-G-A. GRCh37 (hg19) VCF-style: chr20-31021631-G-A.
Other names: c.1447G>A, p.Asp483Asn (NM_001363734.1); short protein forms D483N, D544N.
Identifiers: ClinVar variation 3792022 (VCV003792022.1).